The following is an entry in ClinVar:

NM_000112.4(SLC26A2):c.1806_1809del (p.Thr603fs)

Gene: SLC26A2 (solute carrier family 26 member 2; plus strand). Cytogenetic location: 5q32.
Variant type: Deletion.
Coding change: c.1806_1809del on transcript NM_000112.4 (MANE Select); coding-DNA positions 1806 to 1809, 4 bases deleted (AACT; older notation c.1806_1809delAACT).
Protein change: p.Thr603fs; shifts the reading frame from threonine 603.
Molecular consequence: frameshift variant.
Genome position (GRCh38, 1-based): chr5:149,981,399-149,981,402, AACT deleted. VCF-style (leftmost placement, unchanged base first): chr5-149981398-AAACT-A. GRCh37 (hg19) VCF-style: chr5-149360961-AAACT-A.
Other names: c.1806_1809delAACT (NM_000112.3); short protein forms T603fs.
Identifiers: ClinVar variation 371783 (VCV000371783.13), dbSNP rs1057517530, ClinGen allele CA16040999.

ClinVar aggregate classification (germline): Pathogenic/Likely pathogenic. Review status: criteria provided, multiple submitters, no conflicts (2 of 4 stars). 9 submissions from 6 submitters: Pathogenic (3); Likely pathogenic (2). 4 of the submissions do not count toward it. Last evaluated 2024-03-18.

Conditions:
Diastrophic dysplasia (DTD). Also called: Diastrophic dwarfism. Identifiers: Orphanet 628, MedGen C0220726, MONDO:0009107, OMIM 222600.
Multiple epiphyseal dysplasia type 4 (EDM4). Also called: SLC26A2-Related Multiple Epiphyseal Dysplasia; MULTIPLE EPIPHYSEAL DYSPLASIA WITH BILAYERED PATELLAE; MULTIPLE EPIPHYSEAL DYSPLASIA WITH CLUBFOOT; MULTIPLE EPIPHYSEAL DYSPLASIA, AUTOSOMAL RECESSIVE; Multiple Epiphyseal Dysplasia, Recessive. Identifiers: Orphanet 93307, MedGen C1847593, MONDO:0009189, OMIM 226900.
Atelosteogenesis type II (AO2). Also called: Neonatal osseous dysplasia 1; NEONATAL OSSEOUS DYSPLASIA I; SLC26A2-Related Atelosteogenesis. Identifiers: Orphanet 56304, MedGen C1850554, MONDO:0009727, OMIM 256050.
Achondrogenesis, type IB (ACG1B). Also called: Achondrogenesis Type 1B. Identifiers: Orphanet 932, Orphanet 93298, MedGen C0265274, MONDO:0010966, OMIM 600972.

Allele frequency attached by ClinVar (database versions not stated): gnomAD exomes below 0.00001.

Submissions (9):

Fulgent Genetics
Classification: Likely pathogenic for Diastrophic dysplasia; Multiple epiphyseal dysplasia type 4; Atelosteogenesis type II; Achondrogenesis, type IB. Last evaluated: 2024-03-18. Review status: criteria provided, single submitter. Criteria: ACMG Guidelines, 2015. Collection method: clinical testing. Allele origin: germline.

Institute of Medical Genetics and Applied Genomics, University Hospital Tübingen
Classification: Pathogenic for Achondrogenesis, type IB. Last evaluated: 2023-11-23. Review status: criteria provided, single submitter. Criteria: ACMG Guidelines, 2015. Collection method: clinical testing. Allele origin: germline. Inheritance: Autosomal recessive inheritance. Affected: yes.

Baylor Genetics
Classification: Pathogenic for Achondrogenesis, type IB. Last evaluated: 2023-06-01. Review status: criteria provided, single submitter. Criteria: ACMG Guidelines, 2015. Collection method: clinical testing. Allele origin: unknown.

Labcorp Genetics (formerly Invitae), Labcorp
Classification: Pathogenic for Atelosteogenesis type II; Multiple epiphyseal dysplasia type 4; Achondrogenesis, type IB; Diastrophic dysplasia. Last evaluated: 2022-07-11. Review status: criteria provided, single submitter. Criteria: Invitae Variant Classification Sherloc (09022015). Collection method: clinical testing. Allele origin: germline.
Comment: For these reasons, this variant has been classified as Pathogenic. This variant disrupts a region of the SLC26A2 protein in which other variant(s) (p.Ala715Val) have been determined to be pathogenic (PMID: 8571951, 21077204, 21922596; Invitae). This suggests that this is a clinically significant region of the protein, and that variants that disrupt it are likely to be disease-causing. Algorithms developed to predict the effect of sequence changes on RNA splicing suggest that this variant may create or strengthen a splice site. ClinVar contains an entry for this variant (Variation ID: 371783). This variant has not been reported in the literature in individuals affected with SLC26A2-related conditions. This variant is not present in population databases (gnomAD no frequency). This sequence change creates a premature translational stop signal (p.Thr603Serfs*5) in the SLC26A2 gene. While this is not anticipated to result in nonsense mediated decay, it is expected to disrupt the last 137 amino acid(s) of the SLC26A2 protein.

Juno Genomics, Hangzhou Juno Genomics, Inc
Classification: Likely pathogenic for Achondrogenesis, type IB; Atelosteogenesis type II; Diastrophic dysplasia; Multiple epiphyseal dysplasia type 4. Review status: criteria provided, single submitter. Criteria: ACMG Guidelines, 2015. Collection method: clinical testing. Allele origin: germline.
Comment: Absent from controls (or at extremely low frequency if recessive) in Genome Aggregation Database.;Null variant in a gene where loss of function (LOF) is a known mechanism of disease.;For recessive disorders, detected in trans with a pathogenic variant.

Counsyl
Classification: Likely pathogenic for Diastrophic dysplasia. Last evaluated: 2016-10-19. Review status: no assertion criteria provided. Collection method: clinical testing. Allele origin: unknown. Not counted in ClinVar's aggregate classification.

Counsyl
Classification: Likely pathogenic for Multiple epiphyseal dysplasia type 4. Last evaluated: 2016-10-19. Review status: no assertion criteria provided. Collection method: clinical testing. Allele origin: unknown. Not counted in ClinVar's aggregate classification.

Counsyl
Classification: Likely pathogenic for Atelosteogenesis type II. Last evaluated: 2016-10-19. Review status: no assertion criteria provided. Collection method: clinical testing. Allele origin: unknown. Not counted in ClinVar's aggregate classification.

Counsyl
Classification: Likely pathogenic for Achondrogenesis, type IB. Last evaluated: 2016-10-19. Review status: no assertion criteria provided. Collection method: clinical testing. Allele origin: unknown. Not counted in ClinVar's aggregate classification.

Literature cited by the submitters: PubMed 8571951 (cited by Labcorp Genetics (formerly Invitae), Labcorp); PubMed 21077204 (cited by Labcorp Genetics (formerly Invitae), Labcorp); PubMed 21922596 (cited by Labcorp Genetics (formerly Invitae), Labcorp).